The following is an entry in ClinVar:

ClinVar aggregate classification (germline): Uncertain significance (1 of 4 stars; one submission).

Submission:

GeneDx
Classification: Uncertain significance. Last evaluated: 2019-10-17. Review status: criteria provided, single submitter. Criteria: GeneDx Variant Classification Process June 2021. Collection method: clinical testing. Allele origin: germline. Affected: yes.
Comment: Not observed in large population cohorts (Lek et al., 2016); In silico analysis, which includes protein predictors and evolutionary conservation, supports a deleterious effect; Has not been previously published as pathogenic or benign to our knowledge

NM_004208.4(AIFM1):c.1506G>T (p.Leu502Phe)

Genes: AIFM1 (apoptosis inducing factor mitochondria associated 1; minus strand), RAB33A (RAB33A, member RAS oncogene family; plus strand). Cytogenetic location: Xq26.1.
Variant type: single nucleotide variant.
Coding change: c.1506G>T on transcript NM_004208.4 (MANE Select); coding-DNA position 1506, G replaced by T.
Protein change: p.Leu502Phe; replaces leucine 502 with phenylalanine.
Molecular consequence: missense variant. On other transcripts: 3 prime UTR variant (1), non-coding transcript variant (1).
Genome position (GRCh38, 1-based): chrX:130,131,742, C>A on the plus strand (G>T on the coding strand, the complement: AIFM1 is on the minus strand). VCF-style: chrX-130131742-C-A. GRCh37 (hg19) VCF-style: chrX-129265717-C-A.
Other names: c.489G>T, p.Leu163Phe (NM_001130846.4); c.*734G>T (NM_001130847.4); c.1494G>T, p.Leu498Phe (NM_145812.3); short protein forms L163F, L498F, L502F.
Identifiers: ClinVar variation 1309478 (VCV001309478.2), dbSNP rs2030089803, ClinGen allele CA414571021.